The following is an entry in ClinVar:

NM_001174150.2(ARL13B):c.836A>T (p.Lys279Ile)

Gene: ARL13B (ARF like GTPase 13B; plus strand). Cytogenetic location: 3q11.2.
Variant type: single nucleotide variant.
Coding change: c.836A>T on transcript NM_001174150.2 (MANE Select); coding-DNA position 836, A replaced by T.
Protein change: p.Lys279Ile; replaces lysine 279 with isoleucine.
Molecular consequence: missense variant. On other transcripts: non-coding transcript variant (2).
Genome position (GRCh38, 1-based): chr3:94,043,052, A>T. VCF-style: chr3-94043052-A-T. GRCh37 (hg19) VCF-style: chr3-93761896-A-T.
Other names: c.527A>T, p.Lys176Ile (NM_001174151.2); c.791A>T, p.Lys264Ile (NM_001321328.2); c.515A>T, p.Lys172Ile (NM_144996.4); c.836A>T, p.Lys279Ile (NM_182896.3); short protein forms K172I, K176I, K264I, K279I.
Identifiers: ClinVar variation 1001521 (VCV001001521.7), dbSNP rs2076889650, ClinGen allele CA353678883.

ClinVar aggregate classification (germline): Uncertain significance (1 of 4 stars; one submission).

Conditions:
Joubert syndrome 8 (JBTS8). Identifiers: Orphanet 475, MedGen C2676771, MONDO:0012855, OMIM 612291.

gnomAD v4.1: 2 of 1,611,670 alleles (0.00012%); highest among the groups gnomAD compares: Non-Finnish European, 0.00017%; no homozygotes.

Submission:

Labcorp Genetics (formerly Invitae), Labcorp
Classification: Uncertain significance for Joubert syndrome 8. Last evaluated: 2020-06-06. Review status: criteria provided, single submitter. Criteria: Invitae Variant Classification Sherloc (09022015). Collection method: clinical testing. Allele origin: germline.
Comment: This variant has not been reported in the literature in individuals with ARL13B-related disease. Algorithms developed to predict the effect of missense changes on protein structure and function (SIFT, PolyPhen-2, Align-GVGD) all suggest that this variant is likely to be tolerated, but these predictions have not been confirmed by published functional studies and their clinical significance is uncertain. In summary, the available evidence is currently insufficient to determine the role of this variant in disease. Therefore, it has been classified as a Variant of Uncertain Significance. This sequence change replaces lysine with isoleucine at codon 279 of the ARL13B protein (p.Lys279Ile). The lysine residue is weakly conserved and there is a moderate physicochemical difference between lysine and isoleucine. This variant is not present in population databases (ExAC no frequency).